The following is an entry in ClinVar:

NM_000258.3(MYL3):c.490C>T (p.Leu164=)

Gene: MYL3 (myosin light chain 3; minus strand). Cytogenetic location: 3p21.31.
Variant type: single nucleotide variant.
Coding change: c.490C>T on transcript NM_000258.3 (MANE Select); coding-DNA position 490, C replaced by T.
Protein change: p.Leu164=; no amino-acid change (leucine 164 retained).
Molecular consequence: synonymous variant. On other transcripts: intron variant (1).
Genome position (GRCh38, 1-based): chr3:46,858,453, G>A on the plus strand (C>T on the coding strand, the complement: MYL3 is on the minus strand). VCF-style: chr3-46858453-G-A. GRCh37 (hg19) VCF-style: chr3-46899943-G-A.
Other names: c.490C>T, p.Leu164= (NM_001406937.1, NM_001406938.1, NM_001406939.1); c.316C>T, p.Leu106= (NM_001406940.1); c.308-7C>T (NM_001406941.1).
Identifiers: ClinVar variation 3074283 (VCV003074283.1), dbSNP rs767179578, ClinGen allele CA044578.

ClinVar aggregate classification (germline): Likely benign (1 of 4 stars; one submission).

Conditions:
Hypertrophic cardiomyopathy. Also called: HYPERTROPHIC MYOCARDIOPATHY. Identifiers: Orphanet 217569, MedGen C0007194, MeSH D002312, MONDO:0005045, HP:0001639.

Allele frequency attached by ClinVar (database versions not stated): gnomAD exomes below 0.00001; ExAC 0.00002.
gnomAD v4.1: 4 of 1,613,326 alleles (0.00025%); highest among the groups gnomAD compares: South Asian, 0.0011%; no homozygotes.

Submission:

All of Us Research Program, National Institutes of Health
Classification: Likely benign for Hypertrophic cardiomyopathy. Last evaluated: 2023-11-02. Review status: criteria provided, single submitter. Criteria: ACMG Guidelines, 2015. Collection method: clinical testing. Allele origin: germline. Inheritance: Autosomal dominant inheritance. Observed: 1 variant allele, 1 heterozygote.
Comment: This study involves interpretation of variants in research participants for the purpose of population health screening. Participant phenotype was not available at the time of variant classification. Additional details can be found in publication PMID: 35346344, PMCID: PMC8962531